The following is an entry in ClinVar:

NM_000392.5(ABCC2):c.1900+5A>G

Gene: ABCC2 (ATP binding cassette subfamily C member 2; plus strand). Cytogenetic location: 10q24.2.
Variant type: single nucleotide variant.
Coding change: c.1900+5A>G on transcript NM_000392.5 (MANE Select); 5 bases into the intron after coding-DNA position 1900, A replaced by G.
Molecular consequence: intron variant.
Genome position (GRCh38, 1-based): chr10:99,810,223, A>G. VCF-style: chr10-99810223-A-G. GRCh37 (hg19) VCF-style: chr10-101569980-A-G.
Identifiers: ClinVar variation 2636143 (VCV002636143.1), dbSNP rs868789366, ClinGen allele CA212841744.
Genomic context (GRCh38, chr10:99,810,223, plus strand): 5'-GTACTTGGGAGGGGATGACTTGGACACATCTGCCATTCGACATGACTGCAATTTTGGTAA[A>G]TAAATTTGGAAGTTGCTTCCCAAACTTATTCGCAGTACTGGTGCCAGAATTTTGATAATA-3'

ClinVar aggregate classification (germline): Uncertain significance (1 of 4 stars; one submission).

Conditions:
ABCC2-related disorder. Also called: ABCC2-related condition.

Allele frequency attached by ClinVar (database versions not stated): gnomAD exomes 0.00001.
gnomAD v4.1: 6 of 1,612,796 alleles (0.00037%); highest among the groups gnomAD compares: Middle Eastern, 0.099%; no homozygotes.

Submission:

PreventionGenetics, part of Exact Sciences
Classification: Uncertain significance for ABCC2-related condition. Last evaluated: 2022-10-14. Review status: criteria provided, single submitter. Criteria: ACMG Guidelines, 2015. Collection method: clinical testing. Allele origin: germline.
Comment: The ABCC2 c.1900+5A>G variant is predicted to interfere with splicing. To our knowledge, this variant has not been reported in the literature or in a large population database, indicating this variant is rare. At this time, the clinical significance of this variant is uncertain due to the absence of conclusive functional and genetic evidence.